The following is an entry in ClinVar:

ClinVar aggregate classification (germline): Uncertain significance (1 of 4 stars; one submission).

Conditions:
Hereditary cancer-predisposing syndrome. Also called: Hereditary Cancer Syndrome; Hereditary neoplastic syndrome; Neoplastic Syndromes, Hereditary; Tumor predisposition. Identifiers: Orphanet 140162, MedGen C0027672, MeSH D009386, MONDO:0015356.

Submission:

Ambry Genetics
Classification: Uncertain significance for Hereditary cancer-predisposing syndrome. Last evaluated: 2024-05-31. Review status: criteria provided, single submitter. Criteria: Ambry Variant Classification Scheme 2023. Collection method: clinical testing. Allele origin: germline.
Comment: The p.D451E variant (also known as c.1353C>G), located in coding exon 9 of the MSH3 gene, results from a C to G substitution at nucleotide position 1353. The aspartic acid at codon 451 is replaced by glutamic acid, an amino acid with highly similar properties. This amino acid position is conserved. In addition, the in silico prediction for this alteration is inconclusive. Since supporting evidence is limited at this time, the clinical significance of this alteration remains unclear.

NM_002439.5(MSH3):c.1353C>G (p.Asp451Glu)

Gene: MSH3 (mutS homolog 3; plus strand). Cytogenetic location: 5q14.1.
Variant type: single nucleotide variant.
Coding change: c.1353C>G on transcript NM_002439.5 (MANE Select); coding-DNA position 1353, C replaced by G.
Protein change: p.Asp451Glu; replaces aspartic acid 451 with glutamic acid.
Molecular consequence: missense variant.
Genome position (GRCh38, 1-based): chr5:80,725,465, C>G. VCF-style: chr5-80725465-C-G. GRCh37 (hg19) VCF-style: chr5-80021284-C-G.
Other names: short protein forms D451E.
Identifiers: ClinVar variation 1770643 (VCV001770643.3), dbSNP rs754114406, ClinGen allele CA360273365.